The following is an entry in ClinVar:

NM_000944.5(PPP3CA):c.38C>T (p.Thr13Met)

Gene: PPP3CA (protein phosphatase 3 catalytic subunit alpha; minus strand). Cytogenetic location: 4q24.
Variant type: single nucleotide variant.
Coding change: c.38C>T on transcript NM_000944.5 (MANE Select); coding-DNA position 38, C replaced by T.
Protein change: p.Thr13Met; replaces threonine 13 with methionine.
Molecular consequence: missense variant.
Genome position (GRCh38, 1-based): chr4:101,346,759, G>A on the plus strand (C>T on the coding strand, the complement: PPP3CA is on the minus strand). VCF-style: chr4-101346759-G-A. GRCh37 (hg19) VCF-style: chr4-102267916-G-A.
Other names: c.38C>T, p.Thr13Met (NM_001130691.2, NM_001130692.2); short protein forms T13M.
Identifiers: ClinVar variation 1448560 (VCV001448560.8), dbSNP rs1384222183, ClinGen allele CA357949500.

ClinVar aggregate classification (germline): Uncertain significance (1 of 4 stars; one submission).

Allele frequency attached by ClinVar (database versions not stated): gnomAD exomes below 0.00001; TOPMed below 0.00001.
gnomAD v4.1: 1 of 1,611,752 alleles (0.000062%); highest among the groups gnomAD compares: Non-Finnish European, 0.000085%; no homozygotes.

Submission:

Labcorp Genetics (formerly Invitae), Labcorp
Classification: Uncertain significance. Last evaluated: 2021-05-18. Review status: criteria provided, single submitter. Criteria: Invitae Variant Classification Sherloc (09022015). Collection method: clinical testing. Allele origin: germline.
Comment: This sequence change replaces threonine with methionine at codon 13 of the PPP3CA protein (p.Thr13Met). The threonine residue is weakly conserved and there is a moderate physicochemical difference between threonine and methionine. In summary, the available evidence is currently insufficient to determine the role of this variant in disease. Therefore, it has been classified as a Variant of Uncertain Significance. This variant is not present in population databases (ExAC no frequency). Algorithms developed to predict the effect of missense changes on protein structure and function (SIFT, PolyPhen-2, Align-GVGD) all suggest that this variant is likely to be tolerated, but these predictions have not been confirmed by published functional studies and their clinical significance is uncertain. This variant has not been reported in the literature in individuals with PPP3CA-related conditions.